The following is an entry in ClinVar:

ClinVar aggregate classification (germline): Likely benign. Review status: criteria provided, multiple submitters, no conflicts (2 of 4 stars). 3 submissions from 3 submitters: Likely benign (3). Last evaluated 2024-11-23.

Conditions:
Acrocallosal syndrome (ACLS). Also called: Schinzel syndrome 1; Absence of corpus callosum with unusual facial appearance, mental deficiency, duplication of the halluces and polydactyly; HALLUX DUPLICATION, POSTAXIAL POLYDACTYLY, AND ABSENCE OF CORPUS CALLOSUM. Identifiers: Orphanet 36, MedGen C0796147, MONDO:0008708, OMIM 200990.

Allele frequency attached by ClinVar (database versions not stated): gnomAD exomes 0.00001; ExAC 0.00002; gnomAD 0.00002.

Submissions (3):

Labcorp Genetics (formerly Invitae), Labcorp
Classification: Likely benign for Acrocallosal syndrome. Last evaluated: 2024-11-23. Review status: criteria provided, single submitter. Criteria: Invitae Variant Classification Sherloc (09022015). Collection method: clinical testing. Allele origin: germline.

Blueprint Genetics
Classification: Likely benign. Last evaluated: 2024-09-06. Review status: criteria provided, single submitter. Criteria: ACMG Guidelines, 2015. Collection method: clinical testing. Allele origin: germline.

GeneDx
Classification: Likely benign. Last evaluated: 2017-02-17. Review status: criteria provided, single submitter. Criteria: GeneDx Variant Classification (06012015). Collection method: clinical testing. Allele origin: germline. Affected: yes.
Comment: This variant is considered likely benign or benign based on one or more of the following criteria: it is a conservative change, it occurs at a poorly conserved position in the protein, it is predicted to be benign by multiple in silico algorithms, and/or has population frequency not consistent with disease.

NM_198525.3(KIF7):c.3517+11C>T

Genes: KIF7 (kinesin family member 7; minus strand), LOC126862216 (BRD4-independent group 4 enhancer GRCh37_chr15:90171995-90173194; plus strand). Cytogenetic location: 15q26.1.
Variant type: single nucleotide variant.
Coding change: c.3517+11C>T on transcript NM_198525.3 (MANE Select); 11 bases into the intron after coding-DNA position 3517, C replaced by T.
Molecular consequence: intron variant.
Genome position (GRCh38, 1-based): chr15:89,629,364, G>A on the plus strand (C>T on the coding strand, the complement: KIF7 is on the minus strand). VCF-style: chr15-89629364-G-A. GRCh37 (hg19) VCF-style: chr15-90172595-G-A.
Identifiers: ClinVar variation 507505 (VCV000507505.10), dbSNP rs775234498, ClinGen allele CA7727683.